The following is an entry in ClinVar:

ClinVar aggregate classification (germline): Uncertain significance (1 of 4 stars; one submission).

Conditions:
Seizures, benign familial infantile, 3 (BFIS3). Also called: Familial neonatal seizures; CONVULSIONS, BENIGN FAMILIAL INFANTILE, 3. Identifiers: Orphanet 140927, Orphanet 306, MedGen C1843140, MONDO:0011904, OMIM 607745.
Developmental and epileptic encephalopathy, 11 (DEE11). Also called: Early infantile epileptic encephalopathy 11. Identifiers: Orphanet 1934, MedGen C3150987, MONDO:0013388, OMIM 613721.

Submission:

Labcorp Genetics (formerly Invitae), Labcorp
Classification: Uncertain significance for Seizures, benign familial infantile, 3; Developmental and epileptic encephalopathy, 11. Last evaluated: 2023-11-13. Review status: criteria provided, single submitter. Criteria: Invitae Variant Classification Sherloc (09022015). Collection method: clinical testing. Allele origin: germline.
Comment: This sequence change replaces threonine, which is neutral and polar, with arginine, which is basic and polar, at codon 365 of the SCN2A protein (p.Thr365Arg). This variant is not present in population databases (gnomAD no frequency). This variant has not been reported in the literature in individuals affected with SCN2A-related conditions. Advanced modeling of protein sequence and biophysical properties (such as structural, functional, and spatial information, amino acid conservation, physicochemical variation, residue mobility, and thermodynamic stability) performed at Invitae indicates that this missense variant is expected to disrupt SCN2A protein function with a positive predictive value of 95%. In summary, the available evidence is currently insufficient to determine the role of this variant in disease. Therefore, it has been classified as a Variant of Uncertain Significance.

NM_001040142.2(SCN2A):c.1094C>G (p.Thr365Arg)

Gene: SCN2A (sodium voltage-gated channel alpha subunit 2; plus strand). Cytogenetic location: 2q24.3.
Variant type: single nucleotide variant.
Coding change: c.1094C>G on transcript NM_001040142.2 (MANE Select); coding-DNA position 1094, C replaced by G.
Protein change: p.Thr365Arg; replaces threonine 365 with arginine.
Molecular consequence: missense variant.
Genome position (GRCh38, 1-based): chr2:165,313,679, C>G. VCF-style: chr2-165313679-C-G. GRCh37 (hg19) VCF-style: chr2-166170189-C-G.
Other names: c.1094C>G, p.Thr365Arg (NM_001040143.2, NM_001371246.1, NM_001371247.1 and 1 more transcripts); short protein forms T365R.
Identifiers: ClinVar variation 2953829 (VCV002953829.3), dbSNP rs1697567984, ClinGen allele CA349020644.